The following is an entry in ClinVar:

NM_003074.4(SMARCC1):c.2693_2696delinsC (p.Leu898_Leu899delinsPro)

Gene: SMARCC1 (SWI/SNF related BAF chromatin remodeling complex subunit C1; minus strand). Cytogenetic location: 3p21.31.
Variant type: Indel.
Coding change: c.2693_2696delinsC on transcript NM_003074.4 (MANE Select); coding-DNA positions 2693 to 2696, TCTT replaced by C.
Protein change: p.Leu898_Leu899delinsPro.
Molecular consequence: inframe indel.
Genome position (GRCh38, 1-based): chr3:47,622,292-47,622,295, AAGA replaced by G on the plus strand (TCTT replaced by C on the coding strand, the reverse complement: SMARCC1 is on the minus strand). VCF-style: chr3-47622292-AAGA-G. GRCh37 (hg19) VCF-style: chr3-47663782-AAGA-G.
Other names: c.2693_2696delTCTTinsC (NM_003074.4).
Identifiers: ClinVar variation 1321260 (VCV001321260.1), dbSNP rs2106685214, ClinGen allele CA2573052181.
Genomic context (GRCh38, chr3:47,622,292, plus strand): 5'-GTTTCCAGCTCTTCAAAATGTCGAAGTTTGATCTCTAGTTTCTTCATTTGTGTCTCAACC[AAGA>G]GAGCTACCAGGGACTTGATCTTTCTTTCTTCCACTGCAGCCAGGTGCTAAGGGTACAAGA-3'

ClinVar aggregate classification (germline): Likely pathogenic (1 of 4 stars; one submission).

Conditions:
Global developmental delay (DD). Also called: Cognitive delay. Identifiers: MedGen C0557874, HP:0001263. Disease mechanism: loss of function.

Submission:

3billion
Classification: Likely pathogenic for Global developmental delay. Last evaluated: 2021-10-25. Review status: criteria provided, single submitter. Criteria: ACMG Guidelines, 2015. Collection method: clinical testing. Allele origin: de novo. Affected: yes. Observed: 1 heterozygote.
Comment: Inframe deletion located in a nonrepeat region: predicted to change the length of the protein and disrupt normal protein function (PM4). The variant was observed as assumed (i.e. paternity and maternity not confirmed) de novo (3billion dataset, PM6). It is not observed in the gnomAD v2.1.1 dataset (PM2). Therefore, this variant is classified as likely pathogenic according to the recommendation of ACMG/AMP guideline.